The following is an entry in ClinVar:

NM_130837.3(OPA1):c.169A>G (p.Thr57Ala)

Gene: OPA1 (OPA1 mitochondrial dynamin like GTPase; plus strand). Cytogenetic location: 3q29.
Variant type: single nucleotide variant.
Coding change: c.169A>G on transcript NM_130837.3 (MANE Select); coding-DNA position 169, A replaced by G.
Protein change: p.Thr57Ala; replaces threonine 57 with alanine.
Molecular consequence: missense variant. On other transcripts: 5 prime UTR variant (2).
Genome position (GRCh38, 1-based): chr3:193,614,859, A>G. VCF-style: chr3-193614859-A-G. GRCh37 (hg19) VCF-style: chr3-193332648-A-G.
Other names: c.-204A>G (NM_001354663.2, NM_001354664.2); c.169A>G, p.Thr57Ala (NM_015560.3, NM_130831.3, NM_130832.3 and 4 more transcripts); short protein forms T57A.
Identifiers: ClinVar variation 4759771 (VCV004759771.1).

ClinVar aggregate classification (germline): Uncertain significance (1 of 4 stars; one submission).

Submission:

Labcorp Genetics (formerly Invitae), Labcorp
Classification: Uncertain significance. Last evaluated: 2025-12-26. Review status: criteria provided, single submitter. Criteria: Invitae Variant Classification Sherloc (09022015). Collection method: clinical testing. Allele origin: germline.
Comment: This sequence change replaces threonine, which is neutral and polar, with alanine, which is neutral and non-polar, at codon 57 of the OPA1 protein (p.Thr57Ala). This variant is not present in population databases (gnomAD no frequency). This variant has not been reported in the literature in individuals affected with OPA1-related conditions. Invitae Evidence Modeling of protein sequence and biophysical properties (such as structural, functional, and spatial information, amino acid conservation, physicochemical variation, residue mobility, and thermodynamic stability) indicates that this missense variant is not expected to disrupt OPA1 protein function with a negative predictive value of 95%. In summary, the available evidence is currently insufficient to determine the role of this variant in disease. Therefore, it has been classified as a Variant of Uncertain Significance.